The following is an entry in ClinVar:

NM_022455.5(NSD1):c.6086C>T (p.Thr2029Ile)

Gene: NSD1 (nuclear receptor binding SET domain protein 1; plus strand). Cytogenetic location: 5q35.3.
Variant type: single nucleotide variant.
Coding change: c.6086C>T on transcript NM_022455.5 (MANE Select); coding-DNA position 6086, C replaced by T.
Protein change: p.Thr2029Ile; replaces threonine 2029 with isoleucine.
Molecular consequence: missense variant.
Genome position (GRCh38, 1-based): chr5:177,283,863, C>T. VCF-style: chr5-177283863-C-T. GRCh37 (hg19) VCF-style: chr5-176710864-C-T.
Other names: c.5213C>T, p.Thr1738Ile (NM_001365684.2, NM_001409308.1, NM_172349.5); c.6086C>T, p.Thr2029Ile (NM_001409301.1, NM_001409302.1, NM_001409303.1); c.5666C>T, p.Thr1889Ile (NM_001409304.1); c.5333C>T, p.Thr1778Ile (NM_001409305.1); c.5324C>T, p.Thr1775Ile (NM_001409306.1, NM_001409307.1); short protein forms T2029I, T1760I, T1775I, T1738I, T1778I, T1889I.
Identifiers: ClinVar variation 159402 (VCV000159402.17), dbSNP rs587784181, ClinGen allele CA295042.

ClinVar aggregate classification (germline): Conflicting classifications of pathogenicity. Review status: criteria provided, conflicting classifications (1 of 4 stars). 3 submissions from 3 submitters: Likely pathogenic (2); Uncertain significance (1). Last evaluated 2023-05-31.

Conditions:
Sotos syndrome (SOTOS). Also called: Distinctive facial appearance, overgrowth in childhood, and learning disabilities or delayed development; CEREBRAL GIGANTISM; Sotos' syndrome; CHROMOSOME 5q35 DELETION SYNDROME; SOTOS SYNDROME 1. Identifiers: Orphanet 821, MedGen C0175695, MONDO:0019349, OMIM 117550.

Submissions (3):

GeneDx
Classification: Uncertain significance. Last evaluated: 2023-05-31. Review status: criteria provided, single submitter. Criteria: GeneDx Variant Classification Process June 2021. Collection method: clinical testing. Allele origin: germline. Affected: yes.
Comment: Not observed at significant frequency in large population cohorts (gnomAD); In silico analysis supports that this missense variant has a deleterious effect on protein structure/function; Has not been previously published as pathogenic or benign to our knowledge

Labcorp Genetics (formerly Invitae), Labcorp
Classification: Likely pathogenic. Last evaluated: 2019-04-18. Review status: criteria provided, single submitter. Criteria: Invitae Variant Classification Sherloc (09022015). Collection method: clinical testing. Allele origin: germline.
Comment: This sequence change replaces threonine with isoleucine at codon 2029 of the NSD1 protein (p.Thr2029Ile). The threonine residue is highly conserved and there is a moderate physicochemical difference between threonine and isoleucine. This variant is not present in population databases (ExAC no frequency). ClinVar contains an entry for this variant (Variation ID: 159402). Algorithms developed to predict the effect of missense changes on protein structure and function are either unavailable or do not agree on the potential impact of this missense change (SIFT: "Deleterious"; PolyPhen-2: "Probably Damaging"; Align-GVGD: "Class C0"). In summary, the currently available evidence indicates that the variant is pathogenic, but additional data are needed to prove that conclusively. Therefore, this variant has been classified as Likely Pathogenic.

Genetic Services Laboratory, University of Chicago
Classification: Likely pathogenic for Sotos syndrome 1. Last evaluated: 2013-02-08. Review status: criteria provided, single submitter. Criteria: ACMG Guidelines, 2007. Collection method: clinical testing. Allele origin: germline. Inheritance: Autosomal dominant inheritance. Affected: yes.